The following is an entry in ClinVar:

NM_001165963.4(SCN1A):c.2044_6030del

Gene: SCN1A (sodium voltage-gated channel alpha subunit 1; minus strand).
Variant type: Deletion.
Coding change: c.2044_6030del on transcript NM_001165963.4 (MANE Select); coding-DNA positions 2044 to 6030, 3,987 bases deleted.
Identifiers: ClinVar variation 189852 (VCV000189852.1).

ClinVar aggregate classification (germline): Pathogenic (1 of 4 stars; one submission).

Conditions:
Severe myoclonic epilepsy in infancy (DRVT). Also called: Epileptic encephalopathy, early infantile, 6 (Dravet syndrome); SEVERE MYOCLONIC EPILEPSY OF INFANCY; DEVELOPMENTAL AND EPILEPTIC ENCEPHALOPATHY 6A; Severe Myoclonic Epilepsy in Infancy (SMEI); Dravet syndrome. Identifiers: Orphanet 33069, MedGen C0751122, MONDO:0100135, OMIM 607208.

Submission:

Center for Bioinformatics, Peking University
Classification: Pathogenic for Dravet syndrome. Last evaluated: 2014-12-20. Review status: criteria provided, single submitter. Criteria: Xu et al. (Hum Mutat. 2015). Collection method: research. Allele origin: de novo. Affected: yes. Observed: 1 variant allele. Study: University Clinical Cooperation “985 Project” PKU-2014-1-1.
Comment: Dravet syndrome (DS) probands were recruited from the outpatient and inpatient child neurology units of Peking University First Hospital from 2005 till present. The study was approved by the Ethics Committee of Peking University First Hospital and the Institutional Review Board at Peking University. Participants or their parents provided written informed consent before enrollment. We collected a total of 267 mutations from 255 families with probands diagnosed with DS in China. All probands fulfilled the clinical diagnostic criteria.